The following is an entry in ClinVar:

NM_025114.4(CEP290):c.2717T>G (p.Leu906Trp)

Gene: CEP290 (centrosomal protein 290; minus strand). Cytogenetic location: 12q21.32.
Variant type: single nucleotide variant.
Coding change: c.2717T>G on transcript NM_025114.4 (MANE Select); coding-DNA position 2717, T replaced by G.
Protein change: p.Leu906Trp; replaces leucine 906 with tryptophan.
Molecular consequence: missense variant.
Genome position (GRCh38, 1-based): chr12:88,106,775, A>C on the plus strand (T>G on the coding strand, the complement: CEP290 is on the minus strand). VCF-style: chr12-88106775-A-C. GRCh37 (hg19) VCF-style: chr12-88500552-A-C.
Other names: short protein forms L906W.
Identifiers: ClinVar variation 126252 (VCV000126252.28), dbSNP rs7970228, ClinGen allele CA150900.

ClinVar aggregate classification (germline): Benign/Likely benign. Review status: criteria provided, multiple submitters, no conflicts (2 of 4 stars). 13 submissions from 9 submitters: Benign (10); Likely benign (1). 2 of the submissions do not count toward it. Last evaluated 2026-02-04.

Conditions:
Joubert syndrome. Also called: Familial aplasia of the vermis; JOUBERT-BOLTSHAUSER SYNDROME. Identifiers: Orphanet 475, MedGen C5979921, MONDO:0018772.
Meckel-Gruber syndrome. Also called: Dysencephalia splachnocystica; GRUBER SYNDROME; DYSENCEPHALIA SPLANCHNOCYSTICA. Identifiers: Orphanet 564, MedGen C0265215, MONDO:0018921.
Nephronophthisis. Also called: Juvenile Nephronophthisis. Identifiers: Orphanet 655, MedGen C0687120, MONDO:0019005, HP:0000090.
Meckel syndrome, type 4 (MKS4). Also called: MECKEL-GRUBER SYNDROME, TYPE 4. Identifiers: Orphanet 564, MedGen C1970161, MONDO:0012626, OMIM 611134.
Leber congenital amaurosis (LCA). Also called: Leber's amaurosis. Identifiers: Orphanet 65, MedGen C0339527, MeSH D057130, MONDO:0018998.
Leber congenital amaurosis 10 (LCA10). Identifiers: Orphanet 65, MedGen C1857821, MONDO:0012723, OMIM 611755.
Bardet-Biedl syndrome 14 (BBS14). Identifiers: Orphanet 110, MedGen C2673874, MONDO:0014442, OMIM 615991.
Senior-Loken syndrome 6 (SLSN6). Identifiers: Orphanet 3156, MedGen C1857779, MONDO:0012433, OMIM 610189.
Joubert syndrome 5 (JBTS5). Identifiers: Orphanet 2318, MedGen C1857780, MONDO:0012432, OMIM 610188.

Allele frequency attached by ClinVar (database versions not stated): gnomAD exomes 0.00402 and 0.01086; ExAC 0.01560; ESP Exome Variant Server 0.03883; gnomAD 0.03972 and 0.04262; TOPMed 0.04590; 1000 Genomes Project 0.04952; 1000 Genomes Project 30x 0.05325.
gnomAD v4.1: 12,180 of 1,610,384 alleles (0.76%); highest among the groups gnomAD compares: African/African-American, 14%; 713 homozygotes.

Submissions (13):

Labcorp Genetics (formerly Invitae), Labcorp
Classification: Benign for Joubert syndrome; Meckel-Gruber syndrome; Nephronophthisis. Last evaluated: 2026-02-04. Review status: criteria provided, single submitter. Criteria: Invitae Variant Classification Sherloc (09022015). Collection method: clinical testing. Allele origin: germline.

Blueprint Genetics
Classification: Likely benign. Last evaluated: 2024-11-27. Review status: criteria provided, single submitter. Criteria: ACMG Guidelines, 2015. Collection method: clinical testing. Allele origin: germline.

Mayo Clinic Laboratories, Mayo Clinic
Classification: Benign. Last evaluated: 2023-04-10. Review status: criteria provided, single submitter. Criteria: ACMG Guidelines, 2015. Collection method: clinical testing. Allele origin: germline. Observed: 8 variant alleles.

Illumina Laboratory Services, Illumina
Classification: Benign for Bardet-Biedl syndrome 14. Last evaluated: 2018-01-12. Review status: criteria provided, single submitter. Criteria: ICSL Variant Classification Criteria 13 December 2019. Collection method: clinical testing. Allele origin: germline.
Comment: This variant was observed in the ICSL laboratory as part of a predisposition screen in an ostensibly healthy population. It had not been previously curated by ICSL or reported in the Human Gene Mutation Database (HGMD: prior to June 1st, 2018), and was therefore a candidate for classification through an automated scoring system. Utilizing variant allele frequency, disease prevalence and penetrance estimates, and inheritance mode, an automated score was calculated to assess if this variant is too frequent to cause the disease. Based on the score and internal cut-off values, a variant classified as benign is not then subjected to further curation. The score for this variant resulted in a classification of benign for this disease.

Illumina Laboratory Services, Illumina
Classification: Benign for Joubert syndrome 5. Last evaluated: 2018-01-12. Review status: criteria provided, single submitter. Criteria: ICSL Variant Classification Criteria 13 December 2019. Collection method: clinical testing. Allele origin: germline.
Comment: the same text as in the submission from Illumina Laboratory Services, Illumina above.

Illumina Laboratory Services, Illumina
Classification: Benign for Leber congenital amaurosis 10. Last evaluated: 2018-01-12. Review status: criteria provided, single submitter. Criteria: ICSL Variant Classification Criteria 13 December 2019. Collection method: clinical testing. Allele origin: germline.
Comment: the same text as in the submission from Illumina Laboratory Services, Illumina above.

Illumina Laboratory Services, Illumina
Classification: Benign for Senior-Loken syndrome 6. Last evaluated: 2018-01-12. Review status: criteria provided, single submitter. Criteria: ICSL Variant Classification Criteria 13 December 2019. Collection method: clinical testing. Allele origin: germline.
Comment: the same text as in the submission from Illumina Laboratory Services, Illumina above.

Illumina Laboratory Services, Illumina
Classification: Benign for Meckel syndrome, type 4. Last evaluated: 2018-01-12. Review status: criteria provided, single submitter. Criteria: ICSL Variant Classification Criteria 13 December 2019. Collection method: clinical testing. Allele origin: germline.
Comment: the same text as in the submission from Illumina Laboratory Services, Illumina above.

GeneDx
Classification: Benign. Last evaluated: 2015-03-03. Review status: criteria provided, single submitter. Criteria: GeneDx Variant Classification Process June 2021. Collection method: clinical testing. Allele origin: germline. Affected: yes.

Breakthrough Genomics
Classification: Benign. Review status: criteria provided, single submitter. Criteria: ACMG Guidelines, 2015. Collection method: not provided. Allele origin: germline. Inheritance: Autosomal recessive inheritance. Affected: yes.

PreventionGenetics, part of Exact Sciences
Classification: Benign. Review status: criteria provided, single submitter. Criteria: ACMG Guidelines, 2015. Collection method: clinical testing. Allele origin: germline.

Natera, Inc.
Classification: Benign for Leber congenital amaurosis. Last evaluated: 2020-09-16. Review status: no assertion criteria provided. Collection method: clinical testing. Allele origin: germline. Not counted in ClinVar's aggregate classification.

Genetic Services Laboratory, University of Chicago
Classification: Likely benign for AllHighlyPenetrant. Review status: no assertion criteria provided. Collection method: clinical testing. Allele origin: germline. Inheritance: Autosomal recessive inheritance. Observed: 15 variant alleles. Not counted in ClinVar's aggregate classification.
Comment: Likely benign based on allele frequency in 1000 Genomes Project or ESP global frequency and its presence in a patient with a rare or unrelated disease phenotype. NOT Sanger confirmed.